The following is an entry in ClinVar:

NM_018706.7(DHTKD1):c.1160-17G>A

Gene: DHTKD1 (dehydrogenase E1 and transketolase domain containing 1; plus strand). Cytogenetic location: 10p14.
Variant type: single nucleotide variant.
Coding change: c.1160-17G>A on transcript NM_018706.7 (MANE Select); 17 bases into the intron before coding-DNA position 1160, G replaced by A.
Molecular consequence: intron variant.
Genome position (GRCh38, 1-based): chr10:12,094,056, G>A. VCF-style: chr10-12094056-G-A. GRCh37 (hg19) VCF-style: chr10-12136055-G-A.
Identifiers: ClinVar variation 2831215 (VCV002831215.3), dbSNP rs1173092599, ClinGen allele CA2739265291.

ClinVar aggregate classification (germline): Uncertain significance (1 of 4 stars; one submission).

Conditions:
2-aminoadipic 2-oxoadipic aciduria (AAKAD). Also called: ALPHA-AMINOADIPIC AND ALPHA-KETOADIPIC ACIDURIA; Aminoadipic aciduria. Identifiers: Orphanet 79154, MedGen C1859817, MONDO:0008774, OMIM 204750.

Submission:

Labcorp Genetics (formerly Invitae), Labcorp
Classification: Uncertain significance for 2-aminoadipic 2-oxoadipic aciduria. Last evaluated: 2023-01-23. Review status: criteria provided, single submitter. Criteria: Invitae Variant Classification Sherloc (09022015). Collection method: clinical testing. Allele origin: germline.
Comment: This variant is not present in population databases (gnomAD no frequency). This sequence change falls in intron 6 of the DHTKD1 gene. It does not directly change the encoded amino acid sequence of the DHTKD1 protein. This variant has not been reported in the literature in individuals affected with DHTKD1-related conditions. In summary, the available evidence is currently insufficient to determine the role of this variant in disease. Therefore, it has been classified as a Variant of Uncertain Significance. Algorithms developed to predict the effect of sequence changes on RNA splicing suggest that this variant may disrupt the consensus splice site.